The following is an entry in ClinVar:

NM_014425.5(INVS):c.2819G>A (p.Arg940Gln)

Gene: INVS (inversin; plus strand). Cytogenetic location: 9q31.1.
Variant type: single nucleotide variant.
Coding change: c.2819G>A on transcript NM_014425.5 (MANE Select); coding-DNA position 2819, G replaced by A.
Protein change: p.Arg940Gln; replaces arginine 940 with glutamine.
Molecular consequence: missense variant. On other transcripts: non-coding transcript variant (1).
Genome position (GRCh38, 1-based): chr9:100,296,949, G>A. VCF-style: chr9-100296949-G-A. GRCh37 (hg19) VCF-style: chr9-103059231-G-A.
Other names: c.2531G>A, p.Arg844Gln (NM_001318381.2); c.1841G>A, p.Arg614Gln (NM_001318382.2); c.2819G>A (NM_014425.4); short protein forms R940Q, R844Q, R614Q.
Identifiers: ClinVar variation 574833 (VCV000574833.10), dbSNP rs369751285, ClinGen allele CA5158721.
Genomic context (GRCh38, chr9:100,296,949, plus strand): 5'-AGCCTCTCCTCTCCTCTGACCCAACCAGCTACCAGCTCAGGAAGCACCTGTCCCACCTTC[G>A]GCATATGAAGCAGCTTGGAGCTGGAGATGTGGACAGATGGAGGCAAGAGTCTACAGCATT-3'
Protein context (NP_055240.2, residues 930-950): YQLRKHLSHL[Arg940Gln]HMKQLGAGDV

ClinVar aggregate classification (germline): Conflicting classifications of pathogenicity. Review status: criteria provided, conflicting classifications (1 of 4 stars). 5 submissions from 5 submitters: Uncertain significance (3); Benign (1); Likely benign (1). Last evaluated 2024-10-10.

Conditions:
INVS-related disorder. Also called: INVS-related condition.
Nephronophthisis. Also called: Juvenile Nephronophthisis. Identifiers: Orphanet 655, MedGen C0687120, MONDO:0019005, HP:0000090.
Infantile nephronophthisis (NPHP2). Also called: Nephronophthisis 2, infantile; Nephronophthisis 2. Identifiers: Orphanet 655, Orphanet 93591, MedGen C1865872, MONDO:0011190, OMIM 602088.

Allele frequency attached by ClinVar (database versions not stated): TOPMed 0.00003; gnomAD 0.00005 and 0.00006; ESP Exome Variant Server 0.00008; gnomAD exomes 0.00019 and 0.00021; ExAC 0.00021.
gnomAD v4.1: 286 of 1,613,960 alleles (0.018%); highest among the groups gnomAD compares: South Asian, 0.16%; 2 homozygotes.

Submissions (5):

PreventionGenetics, part of Exact Sciences
Classification: Likely benign for INVS-related condition. Last evaluated: 2024-10-10. Review status: criteria provided, single submitter. Criteria: ACMG Guidelines, 2015. Collection method: clinical testing. Allele origin: germline.
Comment: This variant is classified as likely benign based on ACMG/AMP sequence variant interpretation guidelines (Richards et al. 2015 PMID: 25741868, with internal and published modifications).

Blueprint Genetics
Classification: Benign. Last evaluated: 2024-07-15. Review status: criteria provided, single submitter. Criteria: ACMG Guidelines, 2015. Collection method: clinical testing. Allele origin: germline.

Labcorp Genetics (formerly Invitae), Labcorp
Classification: Uncertain significance for Nephronophthisis. Last evaluated: 2022-06-13. Review status: criteria provided, single submitter. Criteria: Invitae Variant Classification Sherloc (09022015). Collection method: clinical testing. Allele origin: germline.
Comment: This sequence change replaces arginine, which is basic and polar, with glutamine, which is neutral and polar, at codon 940 of the INVS protein (p.Arg940Gln). This variant is present in population databases (rs369751285, gnomAD 0.2%). This variant has not been reported in the literature in individuals affected with INVS-related conditions. ClinVar contains an entry for this variant (Variation ID: 574833). Algorithms developed to predict the effect of missense changes on protein structure and function (SIFT, PolyPhen-2, Align-GVGD) all suggest that this variant is likely to be tolerated. Algorithms developed to predict the effect of sequence changes on RNA splicing suggest that this variant may create or strengthen a splice site. In summary, the available evidence is currently insufficient to determine the role of this variant in disease. Therefore, it has been classified as a Variant of Uncertain Significance.

Fulgent Genetics
Classification: Uncertain significance for Infantile nephronophthisis. Last evaluated: 2022-05-04. Review status: criteria provided, single submitter. Criteria: ACMG Guidelines, 2015. Collection method: clinical testing. Allele origin: unknown.

Eurofins Ntd Llc (ga)
Classification: Uncertain significance. Last evaluated: 2018-07-17. Review status: criteria provided, single submitter. Criteria: EGL ClinVar v180209 classification definitions. Collection method: clinical testing. Allele origin: germline. Observed: 1 variant allele, 1 heterozygote.